The following is an entry in ClinVar:

NC_000007.13:g.(?_75611522)_(75613194_?)del

Gene: POR (cytochrome p450 oxidoreductase; plus strand). Cytogenetic location: 7q11.23.
Variant type: Deletion.
Identifiers: ClinVar variation 3245783 (VCV003245783.1).

ClinVar aggregate classification (germline): Pathogenic (1 of 4 stars; one submission).

Conditions:
Congenital adrenal hyperplasia due to cytochrome P450 oxidoreductase deficiency. Also called: DISORDERED STEROIDOGENESIS DUE TO POR DEFICIENCY. Identifiers: Orphanet 95699, MedGen C1860042, MONDO:0013310, OMIM 613571.

Submission:

Labcorp Genetics (formerly Invitae), Labcorp
Classification: Pathogenic for Congenital adrenal hyperplasia due to cytochrome P450 oxidoreductase deficiency. Last evaluated: 2023-02-16. Review status: criteria provided, single submitter. Criteria: Invitae Variant Classification Sherloc (09022015). Collection method: clinical testing. Allele origin: unknown.
Comment: For these reasons, this variant has been classified as Pathogenic. This variant has not been reported in the literature in individuals affected with POR-related conditions. This variant is a gross deletion of the genomic region encompassing exon(s) 8-10 of the POR gene. This deletion is out-of-frame, and is expected to create a premature termination codon and result in an absent or disrupted protein product. Loss-of-function variants in POR are known to be pathogenic (PMID: 14758361, 20732302, 21741353).

Literature cited by the submitters: PubMed 14758361; PubMed 20732302; PubMed 21741353.